The following is an entry in ClinVar:

NM_001378454.1(ALMS1):c.7969T>C (p.Phe2657Leu)

Gene: ALMS1 (ALMS1 centrosome and basal body associated protein; plus strand). Cytogenetic location: 2p13.1.
Variant type: single nucleotide variant.
Coding change: c.7969T>C on transcript NM_001378454.1 (MANE Select); coding-DNA position 7969, T replaced by C.
Protein change: p.Phe2657Leu; replaces phenylalanine 2657 with leucine.
Molecular consequence: missense variant.
Genome position (GRCh38, 1-based): chr2:73,489,928, T>C. VCF-style: chr2-73489928-T-C. GRCh37 (hg19) VCF-style: chr2-73717055-T-C.
Other names: c.7972T>C, p.Phe2658Leu (NM_015120.4); short protein forms F2657L, F2658L.
Identifiers: ClinVar variation 2128312 (VCV002128312.4), dbSNP rs1672939869, ClinGen allele CA347266663.

ClinVar aggregate classification (germline): Uncertain significance (1 of 4 stars; one submission).

Conditions:
Alstrom syndrome (ALMS). Identifiers: Orphanet 64, MedGen C0268425, MONDO:0008763, OMIM 203800.

Submission:

Labcorp Genetics (formerly Invitae), Labcorp
Classification: Uncertain significance for Alstrom syndrome. Last evaluated: 2022-04-20. Review status: criteria provided, single submitter. Criteria: Invitae Variant Classification Sherloc (09022015). Collection method: clinical testing. Allele origin: germline.
Comment: In summary, the available evidence is currently insufficient to determine the role of this variant in disease. Therefore, it has been classified as a Variant of Uncertain Significance. Experimental studies and prediction algorithms are not available or were not evaluated, and the functional significance of this variant is currently unknown. This variant has not been reported in the literature in individuals affected with ALMS1-related conditions. This variant is not present in population databases (gnomAD no frequency). This sequence change replaces phenylalanine, which is neutral and non-polar, with leucine, which is neutral and non-polar, at codon 2658 of the ALMS1 protein (p.Phe2658Leu).